The following is an entry in ClinVar:

NM_000503.6(EYA1):c.1051-2A>G

Gene: EYA1 (EYA transcriptional coactivator and phosphatase 1; minus strand). Cytogenetic location: 8q13.3.
Variant type: single nucleotide variant.
Coding change: c.1051-2A>G on transcript NM_000503.6 (MANE Select); the canonical splice acceptor site of the intron before coding-DNA position 1051, A replaced by G.
Molecular consequence: splice acceptor variant. On other transcripts: intron variant (2).
Genome position (GRCh38, 1-based): chr8:71,244,694, T>C on the plus strand (A>G on the coding strand, the complement: EYA1 is on the minus strand). VCF-style: chr8-71244694-T-C. GRCh37 (hg19) VCF-style: chr8-72156929-T-C.
Other names: c.1051-2A>G (NM_001370335.1, NM_001370334.1, NM_172058.4); c.1122+25046A>G (NM_172059.5); c.952-2A>G (NM_001411797.1, NM_172060.4); c.685-2A>G (NM_001288575.2); c.1119+25046A>G (NM_001370336.1); c.1138-2A>G (NM_001370333.1); c.1033-2A>G (NM_001288574.2).
Identifiers: ClinVar variation 1457237 (VCV001457237.7), dbSNP rs2128904613, ClinGen allele CA371467889.

ClinVar aggregate classification (germline): Pathogenic. Review status: criteria provided, multiple submitters, no conflicts (2 of 4 stars). 2 submissions from 2 submitters: Pathogenic (2). Last evaluated 2026-02-05.

Conditions:
Melnick-Fraser syndrome (BOR). Also called: Branchio-oto-renal syndrome; Branchiootorenal Syndrome (BORS); Branchiootorenal syndrome. Identifiers: Orphanet 107, MedGen C0265234, MONDO:0007029.
Branchiootorenal syndrome 1. Also called: Branchio-Oto-Renal Syndrome 1. Identifiers: Orphanet 107, MedGen C4551702, MONDO:0007236, OMIM 113650.

Submissions (2):

Sección de Genética, Servicio de Análisis Clínicos, Consorcio Hospital General Universitario de Valencia
Classification: Pathogenic for Branchiootorenal syndrome 1. Last evaluated: 2026-02-05. Review status: criteria provided, single submitter. Criteria: ACMG Guidelines, 2015. Collection method: provider interpretation. Allele origin: de novo. Inheritance: Autosomal dominant inheritance. Affected: yes. Observed: 1 variant allele.
Comment: This variant is described in the HGM clinical database (CS066281) as a disease-causing variant associated with branchio-oto-renal (BOR) syndrome type 1 and in ClinVar (VCV001457237.6) as a pathogenic variant. It is listed in dbSNP (rs2128904613), but not in the gnomAD population frequency database. Additionally, the SpliceAI splicing predictor estimates a high probability of altered splicing (score: 0.97). This variant, also reported as IVS9 c.952-2A>G, has been described in patients with BOR syndrome and segregates with disease in at least one family (PMIDs: 16491411;21280147).Based on these data, the variant is classified as pathogenic. Note: This variant was found in clinical genetic testing performed by one or more labs who may also submit to ClinVar. Therefore, any internal case data may overlap with the internal case data of other submitters.

Labcorp Genetics (formerly Invitae), Labcorp
Classification: Pathogenic for Melnick-Fraser syndrome. Last evaluated: 2022-04-15. Review status: criteria provided, single submitter. Criteria: Invitae Variant Classification Sherloc (09022015). Collection method: clinical testing. Allele origin: germline.
Comment: This variant is also known as IVS9 c.952-2A>G. For these reasons, this variant has been classified as Pathogenic. Algorithms developed to predict the effect of sequence changes on RNA splicing suggest that this variant may disrupt the consensus splice site. Disruption of this splice site has been observed in individual(s) with EYA1-related conditions (PMID: 16491411, 21280147). It has also been observed to segregate with disease in related individuals. This variant is not present in population databases (gnomAD no frequency). This sequence change affects an acceptor splice site in intron 11 of the EYA1 gene. It is expected to disrupt RNA splicing. Variants that disrupt the donor or acceptor splice site typically lead to a loss of protein function (PMID: 16199547), and loss-of-function variants in EYA1 are known to be pathogenic (PMID: 10464653, 18220287).

Literature cited by the submitters: PubMed 16491411 (cited by Sección de Genética, Servicio de Análisis Clínicos, Consorcio Hospital General Universitario de Valencia and Labcorp Genetics (formerly Invitae), Labcorp); PubMed 21280147 (cited by Sección de Genética, Servicio de Análisis Clínicos, Consorcio Hospital General Universitario de Valencia and Labcorp Genetics (formerly Invitae), Labcorp); PubMed 16199547 (cited by Labcorp Genetics (formerly Invitae), Labcorp); PubMed 10464653 (cited by Labcorp Genetics (formerly Invitae), Labcorp); PubMed 18220287 (cited by Labcorp Genetics (formerly Invitae), Labcorp).